The following is an entry in ClinVar:

NM_001267550.2(TTN):c.105931G>A (p.Val35311Ile)

Genes: TTN (titin; minus strand), TTN-AS1 (TTN antisense RNA 1; plus strand), LOC129935183 (ATAC-STARR-seq lymphoblastoid active region 16808; plus strand). Cytogenetic location: 2q31.2.
Variant type: single nucleotide variant.
Coding change: c.105931G>A on transcript NM_001267550.2 (MANE Select); coding-DNA position 105931, G replaced by A.
Protein change: p.Val35311Ile; replaces valine 35311 with isoleucine.
Molecular consequence: missense variant.
Genome position (GRCh38, 1-based): chr2:178,530,684, C>T on the plus strand (G>A on the coding strand, the complement: TTN is on the minus strand). VCF-style: chr2-178530684-C-T. GRCh37 (hg19) VCF-style: chr2-179395411-C-T.
Other names: c.101008G>A, p.Val33670Ile (NM_001256850.1); c.78736G>A, p.Val26246Ile (NM_003319.4); c.98227G>A, p.Val32743Ile (NM_133378.4); c.79111G>A, p.Val26371Ile (NM_133432.3); c.79312G>A, p.Val26438Ile (NM_133437.4); short protein forms V26246I, V26371I, V26438I, V32743I, V33670I, V35311I.
Identifiers: ClinVar variation 3752486 (VCV003752486.2).

ClinVar aggregate classification (germline): Uncertain significance (1 of 4 stars; one submission).

Conditions:
Autosomal recessive limb-girdle muscular dystrophy type 2J (LGMDR10). Also called: Limb-girdle muscular dystrophy, type 2J; MUSCULAR DYSTROPHY, LIMB-GIRDLE, AUTOSOMAL RECESSIVE 10. Identifiers: Orphanet 140922, MedGen C1837342, MONDO:0012127, OMIM 608807.
Dilated cardiomyopathy 1G (CMD1G). Identifiers: Orphanet 154, MedGen C1858763, MONDO:0011400, OMIM 604145.

gnomAD v4.1: 4 of 1,613,982 alleles (0.00025%); highest among the groups gnomAD compares: Non-Finnish European, 0.00025%; no homozygotes.

Submission:

Labcorp Genetics (formerly Invitae), Labcorp
Classification: Uncertain significance for Dilated cardiomyopathy 1G; Autosomal recessive limb-girdle muscular dystrophy type 2J. Last evaluated: 2025-11-19. Review status: criteria provided, single submitter. Criteria: Invitae Variant Classification Sherloc (09022015). Collection method: clinical testing. Allele origin: germline.
Comment: This sequence change replaces valine, which is neutral and non-polar, with isoleucine, which is neutral and non-polar, at codon 35311 of the TTN protein (p.Val35311Ile). This variant is not present in population databases (gnomAD no frequency). This variant has not been reported in the literature in individuals affected with TTN-related conditions. ClinVar contains an entry for this variant (Variation ID: 3752486). An algorithm developed to predict the effect of missense changes on protein structure and function outputs the following: PolyPhen-2: "Not Available". The isoleucine amino acid residue is found in multiple mammalian species, which suggests that this missense change does not adversely affect protein function. This variant is located in the M band of TTN (PMID: 25589632). Non-truncating variants in this region may be relevant for neuromuscular disorders, but have not been definitively shown to cause cardiomyopathy (PMID: 23975875). In summary, the available evidence is currently insufficient to determine the role of this variant in disease. Therefore, it has been classified as a Variant of Uncertain Significance.

Literature cited by the submitters: PubMed 25589632; PubMed 23975875.